The following is an entry in ClinVar:

ClinVar aggregate classification (germline): Uncertain significance (1 of 4 stars; one submission).

Allele frequency attached by ClinVar (database versions not stated): TOPMed below 0.00001.
gnomAD v4.1: 1 of 1,614,146 alleles (0.000062%); highest among the groups gnomAD compares: African/African-American, 0.0013%; no homozygotes.

Submission:

Ambry Genetics
Classification: Uncertain significance. Last evaluated: 2020-03-18. Review status: criteria provided, single submitter. Criteria: Ambry Variant Classification Scheme 2023. Collection method: clinical testing. Allele origin: germline.
Comment: The p.G469S variant (also known as c.1405G>A), located in coding exon 12 of the IKBKAP gene, results from a G to A substitution at nucleotide position 1405. The glycine at codon 469 is replaced by serine, an amino acid with similar properties. This amino acid position is highly conserved in available vertebrate species. In addition, this alteration is predicted to be tolerated by in silico analysis. Since supporting evidence is limited at this time, the clinical significance of this alteration remains unclear.

NM_003640.5(ELP1):c.1405G>A (p.Gly469Ser)

Gene: ELP1 (elongator acetyltransferase complex subunit 1; minus strand). Cytogenetic location: 9q31.3.
Variant type: single nucleotide variant.
Coding change: c.1405G>A on transcript NM_003640.5 (MANE Select); coding-DNA position 1405, G replaced by A.
Protein change: p.Gly469Ser; replaces glycine 469 with serine.
Molecular consequence: missense variant.
Genome position (GRCh38, 1-based): chr9:108,908,360, C>T on the plus strand (G>A on the coding strand, the complement: ELP1 is on the minus strand). VCF-style: chr9-108908360-C-T. GRCh37 (hg19) VCF-style: chr9-111670640-C-T.
Other names: c.1063G>A, p.Gly355Ser (NM_001318360.2); c.358G>A, p.Gly120Ser (NM_001330749.2); short protein forms G120S, G355S, G469S.
Identifiers: ClinVar variation 1800234 (VCV001800234.2), dbSNP rs758755864, ClinGen allele CA374428457.